The following is an entry in ClinVar:

NM_199420.4(POLQ):c.6838A>G (p.Met2280Val)

Gene: POLQ (DNA polymerase theta; minus strand). Cytogenetic location: 3q13.33.
Variant type: single nucleotide variant.
Coding change: c.6838A>G on transcript NM_199420.4 (MANE Select); coding-DNA position 6838, A replaced by G.
Protein change: p.Met2280Val; replaces methionine 2280 with valine.
Molecular consequence: missense variant.
Genome position (GRCh38, 1-based): chr3:121,468,312, T>C on the plus strand (A>G on the coding strand, the complement: POLQ is on the minus strand). VCF-style: chr3-121468312-T-C. GRCh37 (hg19) VCF-style: chr3-121187159-T-C.
Other names: short protein forms M2280V.
Identifiers: ClinVar variation 1755714 (VCV001755714.3), dbSNP rs2546770669, ClinGen allele CA354111181.
Genomic context (GRCh38, chr3:121,468,312, plus strand): 5'-CCATTCATACTTACAAAAGTTTATTAATACAGATACAGAGAAACAGCACCTACCTGCCCA[T>C]GGGAAGTAGGCCTTTGCCTACAGCTTGAGAAGGTGGGCTTTCTCCTACTAGTGTTGGCAT-3'
Protein context (NP_955452.3, residues 2270-2290): SQAVGKGLLP[Met2280Val]GRGKYKKGFS

ClinVar aggregate classification (germline): Uncertain significance (1 of 4 stars; one submission).

gnomAD v4.1: 1 of 1,611,826 alleles (0.000062%); no homozygotes.

Submission:

Ambry Genetics
Classification: Uncertain significance. Last evaluated: 2024-06-11. Review status: criteria provided, single submitter. Criteria: Ambry Variant Classification Scheme 2023. Collection method: clinical testing. Allele origin: germline.
Comment: The p.M2280V variant (also known as c.6838A>G), located in coding exon 23 of the POLQ gene, results from an A to G substitution at nucleotide position 6838. The methionine at codon 2280 is replaced by valine, an amino acid with highly similar properties. This amino acid position is conserved. In addition, this alteration is predicted to be tolerated by in silico analysis. Since supporting evidence is limited at this time, the clinical significance of this alteration remains unclear.